The following is an entry in ClinVar:

NM_080732.4(EGLN2):c.1192G>C (p.Val398Leu)

Genes: EGLN2 (egl-9 family hypoxia inducible factor 2; plus strand), RAB4B-EGLN2 (RAB4B-EGLN2 readthrough (NMD candidate); plus strand). Cytogenetic location: 19q13.2.
Variant type: single nucleotide variant.
Coding change: c.1192G>C on transcript NM_080732.4 (MANE Select); coding-DNA position 1192, G replaced by C.
Protein change: p.Val398Leu; replaces valine 398 with leucine.
Molecular consequence: missense variant. On other transcripts: non-coding transcript variant (1).
Genome position (GRCh38, 1-based): chr19:40,807,832, G>C. VCF-style: chr19-40807832-G-C. GRCh37 (hg19) VCF-style: chr19-41313737-G-C.
Other names: c.1192G>C, p.Val398Leu (NM_053046.4); short protein forms V398L.
Identifiers: ClinVar variation 1745336 (VCV001745336.2), dbSNP rs2516010718, ClinGen allele CA405956907.
Genomic context (GRCh38, chr19:40,807,832, plus strand): 5'-TGATGACTCACTGTCTCCTGTCCCCTCTCACCCCCAGCATCAGGACAGAAAGGTGTCCAA[G>C]TACCTGTATCACAGCCGCCTACGCCCACCTAGTGGCCAGTCCCAGAGCCGCATGGCAGAC-3'
Protein context (NP_542770.2, residues 388-407): QLASGQKGVQ[Val398Leu]PVSQPPTPT

ClinVar aggregate classification (germline): Uncertain significance (1 of 4 stars; one submission).

Allele frequency attached by ClinVar (database versions not stated): gnomAD exomes 0.00001.
gnomAD v4.1: 6 of 1,614,118 alleles (0.00037%); highest among the groups gnomAD compares: Non-Finnish European, 0.00051%; no homozygotes.

Submission:

Ambry Genetics
Classification: Uncertain significance. Last evaluated: 2022-03-07. Review status: criteria provided, single submitter. Criteria: Ambry Variant Classification Scheme 2023. Collection method: clinical testing. Allele origin: germline.
Comment: The p.V398L variant (also known as c.1192G>C), located in coding exon 5 of the EGLN2 gene, results from a G to C substitution at nucleotide position 1192. The valine at codon 398 is replaced by leucine, an amino acid with highly similar properties. This amino acid position is conserved. In addition, the in silico prediction for this alteration is inconclusive. Since supporting evidence is limited at this time, the clinical significance of this alteration remains unclear.